The following is an entry in ClinVar:

NM_000217.3(KCNA1):c.793T>C (p.Tyr265His)

Gene: KCNA1 (potassium voltage-gated channel subfamily A member 1; plus strand). Cytogenetic location: 12p13.32.
Variant type: single nucleotide variant.
Coding change: c.793T>C on transcript NM_000217.3 (MANE Select); coding-DNA position 793, T replaced by C.
Protein change: p.Tyr265His; replaces tyrosine 265 with histidine.
Molecular consequence: missense variant.
Genome position (GRCh38, 1-based): chr12:4,912,171, T>C. VCF-style: chr12-4912171-T-C. GRCh37 (hg19) VCF-style: chr12-5021337-T-C.
Other names: short protein forms Y265H.
Identifiers: ClinVar variation 2727696 (VCV002727696.4), dbSNP rs2497353136, ClinGen allele CA383455351.

ClinVar aggregate classification (germline): Uncertain significance. Review status: criteria provided, multiple submitters, no conflicts (2 of 4 stars). 2 submissions from 2 submitters: Uncertain significance (2). Last evaluated 2025-04-01.

Conditions:
Episodic ataxia type 1 (EA1). Also called: MYOKYMIA WITH PERIODIC ATAXIA; PAROXYSMAL ATAXIA WITH NEUROMYOTONIA, HEREDITARY; ATAXIA, EPISODIC, WITH MYOKYMIA; Episodic ataxia/myokymia syndrome. Identifiers: Orphanet 37612, Orphanet 972, MedGen C1719788, MONDO:0008047, OMIM 160120.

Submissions (2):

Labcorp Genetics (formerly Invitae), Labcorp
Classification: Uncertain significance for Episodic ataxia type 1. Last evaluated: 2025-04-01. Review status: criteria provided, single submitter. Criteria: Invitae Variant Classification Sherloc (09022015). Collection method: clinical testing. Allele origin: germline.
Comment: This sequence change replaces tyrosine, which is neutral and polar, with histidine, which is basic and polar, at codon 265 of the KCNA1 protein (p.Tyr265His). This variant is not present in population databases (gnomAD no frequency). This variant has not been reported in the literature in individuals affected with KCNA1-related conditions. ClinVar contains an entry for this variant (Variation ID: 2727696). Invitae Evidence Modeling of protein sequence and biophysical properties (such as structural, functional, and spatial information, amino acid conservation, physicochemical variation, residue mobility, and thermodynamic stability) indicates that this missense variant is expected to disrupt KCNA1 protein function with a positive predictive value of 95%. In summary, the available evidence is currently insufficient to determine the role of this variant in disease. Therefore, it has been classified as a Variant of Uncertain Significance.

Blueprint Genetics
Classification: Uncertain significance. Last evaluated: 2024-02-21. Review status: criteria provided, single submitter. Criteria: ACMG Guidelines, 2015. Collection method: clinical testing. Allele origin: germline.